The following is an entry in ClinVar:

ClinVar aggregate classification (germline): Pathogenic/Likely pathogenic. Review status: criteria provided, multiple submitters, no conflicts (2 of 4 stars). 2 submissions from 2 submitters: Pathogenic (1); Likely pathogenic (1). Last evaluated 2025-07-13.

Submissions (2):

Labcorp Genetics (formerly Invitae), Labcorp
Classification: Pathogenic. Last evaluated: 2025-07-13. Review status: criteria provided, single submitter. Criteria: Invitae Variant Classification Sherloc (09022015). Collection method: clinical testing. Allele origin: germline.
Comment: This sequence change replaces serine, which is neutral and polar, with arginine, which is basic and polar, at codon 443 of the WFS1 protein (p.Ser443Arg). This variant is not present in population databases (gnomAD no frequency). This missense change has been observed in individual(s) with autosomal recessive Wolfram syndrome (PMID: 21564155, 36967753). In at least one individual the data is consistent with being in trans (on the opposite chromosome) from a pathogenic variant. It has also been observed to segregate with disease in related individuals. ClinVar contains an entry for this variant (Variation ID: 1315675). Invitae Evidence Modeling of protein sequence and biophysical properties (such as structural, functional, and spatial information, amino acid conservation, physicochemical variation, residue mobility, and thermodynamic stability) has been performed for this missense variant. However, the output from this modeling did not meet the statistical confidence thresholds required to predict the impact of this variant on WFS1 protein function. For these reasons, this variant has been classified as Pathogenic.

GeneDx
Classification: Likely pathogenic. Last evaluated: 2024-08-22. Review status: criteria provided, single submitter. Criteria: GeneDx Variant Classification Process June 2021. Collection method: clinical testing. Allele origin: germline. Affected: yes.
Comment: In silico analysis supports that this missense variant has a deleterious effect on protein structure/function; Not observed at significant frequency in large population cohorts (gnomAD); This variant is associated with the following publications: (PMID: 21564155, 36967753, 38721948, 32335055)

Literature cited by the submitters: PubMed 21564155 (cited by Labcorp Genetics (formerly Invitae), Labcorp); PubMed 36967753 (cited by Labcorp Genetics (formerly Invitae), Labcorp).

NM_006005.3(WFS1):c.1329C>G (p.Ser443Arg)

Gene: WFS1 (wolframin ER transmembrane glycoprotein; plus strand). Cytogenetic location: 4p16.1.
Variant type: single nucleotide variant.
Coding change: c.1329C>G on transcript NM_006005.3 (MANE Select); coding-DNA position 1329, C replaced by G.
Protein change: p.Ser443Arg; replaces serine 443 with arginine.
Molecular consequence: missense variant.
Genome position (GRCh38, 1-based): chr4:6,301,124, C>G. VCF-style: chr4-6301124-C-G. GRCh37 (hg19) VCF-style: chr4-6302851-C-G.
Other names: c.1329C>G, p.Ser443Arg (NM_001145853.1); short protein forms S443R.
Identifiers: ClinVar variation 1315675 (VCV001315675.4), dbSNP rs370243565, ClinGen allele CA356174688.
Genomic context (GRCh38, chr4:6,301,124, plus strand): 5'-CAAGGACTGCATCCCCTGCTCGGAGCTGGCTGTCATCACCGGCTTCTTTACCGTGACCAG[C>G]TACCTGAGCCTGAGCACCCATGCAGAGCCCTACACGCGCAGGGCCCTGGCCACCGAGGTC-3'
Protein context (NP_005996.2, residues 433-453): AVITGFFTVT[Ser443Arg]YLSLSTHAEP